The following is an entry in ClinVar:

ClinVar aggregate classification (germline): Uncertain significance (1 of 4 stars; one submission).

Conditions:
Duchenne muscular dystrophy (DMD). Also called: MUSCULAR DYSTROPHY, PSEUDOHYPERTROPHIC PROGRESSIVE, DUCHENNE TYPE; Duchenne Muscular Dystrophy (DMD). Identifiers: Orphanet 98896, MedGen C0013264, MONDO:0010679, OMIM 310200.

Submission:

Labcorp Genetics (formerly Invitae), Labcorp
Classification: Uncertain significance for Duchenne muscular dystrophy. Last evaluated: 2022-06-23. Review status: criteria provided, single submitter. Criteria: Invitae Variant Classification Sherloc (09022015). Collection method: clinical testing. Allele origin: germline.
Comment: In summary, the available evidence is currently insufficient to determine the role of this variant in disease. Therefore, it has been classified as a Variant of Uncertain Significance. Algorithms developed to predict the effect of missense changes on protein structure and function (SIFT, PolyPhen-2, Align-GVGD) all suggest that this variant is likely to be disruptive. This variant has not been reported in the literature in individuals affected with DMD-related conditions. This variant is not present in population databases (gnomAD no frequency). This sequence change replaces leucine, which is neutral and non-polar, with valine, which is neutral and non-polar, at codon 500 of the DMD protein (p.Leu500Val).

NM_004006.3(DMD):c.1498C>G (p.Leu500Val)

Gene: DMD (dystrophin; minus strand). Cytogenetic location: Xp21.1.
Variant type: single nucleotide variant.
Coding change: c.1498C>G on transcript NM_004006.3 (MANE Select); coding-DNA position 1498, C replaced by G.
Protein change: p.Leu500Val; replaces leucine 500 with valine.
Molecular consequence: missense variant.
Genome position (GRCh38, 1-based): chrX:32,595,861, G>C on the plus strand (C>G on the coding strand, the complement: DMD is on the minus strand). VCF-style: chrX-32595861-G-C. GRCh37 (hg19) VCF-style: chrX-32613978-G-C.
Other names: c.1474C>G, p.Leu492Val (NM_000109.4); c.1486C>G, p.Leu496Val (NM_004009.3); c.1129C>G, p.Leu377Val (NM_004010.3); short protein forms L377V, L496V, L492V, L500V.
Identifiers: ClinVar variation 2009668 (VCV002009668.4), dbSNP rs2518924403, ClinGen allele CA412665746.